The following is an entry in ClinVar:

ClinVar aggregate classification (germline): Likely pathogenic (1 of 4 stars; one submission).

Conditions:
Ciliary dyskinesia, primary, 49, without situs inversus (CILD49). Identifiers: MedGen C5774291, MONDO:0859353, OMIM 620197.

Submission:

Johns Hopkins Genomics, Johns Hopkins University
Classification: Likely pathogenic for Ciliary dyskinesia, primary, 49, without situs inversus. Last evaluated: 2025-09-21. Review status: criteria provided, single submitter. Criteria: ACMG Guidelines, 2015. Collection method: clinical testing. Allele origin: germline.
Comment: This variant is classified as likely pathogenic (PVS1, PM2).

NM_001304360.2(CFAP74):c.838C>T (p.Arg280Ter)

Gene: CFAP74 (cilia and flagella associated protein 74; minus strand). Cytogenetic location: 1p36.33.
Variant type: single nucleotide variant.
Coding change: c.838C>T on transcript NM_001304360.2 (MANE Select); coding-DNA position 838, C replaced by T.
Protein change: p.Arg280Ter; replaces arginine 280 with a stop codon.
Molecular consequence: nonsense.
Genome position (GRCh38, 1-based): chr1:1,972,030, G>A on the plus strand (C>T on the coding strand, the complement: CFAP74 is on the minus strand). VCF-style: chr1-1972030-G-A. GRCh37 (hg19) VCF-style: chr1-1903469-G-A.
Other names: short protein forms R280*.
Identifiers: ClinVar variation 4280102 (VCV004280102.1).
Genomic context (GRCh38, chr1:1,972,030, plus strand): 5'-GGGGGCCTACCCGGTTCGCGGAGATGCTGCCCTTCAGCGCCACCACCGCATCCATGCGTC[G>A]CCTCATGTACTCGTGGCACTCCATCTCCTCCTTCTTCTCTTGCTCTCGGATTCTGAGGAA-3'